The following is an entry in ClinVar:

ClinVar aggregate classification (germline): Uncertain significance (1 of 4 stars; one submission).

Conditions:
Nephrolithiasis/nephrocalcinosis. Identifiers: MedGen CN580796.

Submission:

Ambry Genetics
Classification: Uncertain significance for Nephrolithiasis/nephrocalcinosis. Last evaluated: 2023-11-21. Review status: criteria provided, single submitter. Criteria: Ambry Variant Classification Scheme 2023. Collection method: clinical testing. Allele origin: germline.
Comment: The p.I642L variant (also known as c.1924A>C), located in coding exon 6 of the CASR gene, results from an A to C substitution at nucleotide position 1924. The isoleucine at codon 642 is replaced by leucine, an amino acid with highly similar properties. This amino acid position is conserved. In addition, the in silico prediction for this alteration is inconclusive. Since supporting evidence is limited at this time, the clinical significance of this alteration remains unclear.

NM_000388.4(CASR):c.1924A>C (p.Ile642Leu)

Gene: CASR (calcium sensing receptor; plus strand). Cytogenetic location: 3q21.1.
Variant type: single nucleotide variant.
Coding change: c.1924A>C on transcript NM_000388.4 (MANE Select); coding-DNA position 1924, A replaced by C.
Protein change: p.Ile642Leu; replaces isoleucine 642 with leucine.
Molecular consequence: missense variant.
Genome position (GRCh38, 1-based): chr3:122,283,878, A>C. VCF-style: chr3-122283878-A-C. GRCh37 (hg19) VCF-style: chr3-122002725-A-C.
Other names: c.1954A>C, p.Ile652Leu (NM_001178065.2); short protein forms I642L, I652L.
Identifiers: ClinVar variation 3231521 (VCV003231521.1), dbSNP rs894717560, ClinGen allele CA354158003.